The following is an entry in ClinVar:

NM_015915.5(ATL1):c.1369A>G (p.Ile457Val)

Gene: ATL1 (atlastin GTPase 1; plus strand). Cytogenetic location: 14q22.1.
Variant type: single nucleotide variant.
Coding change: c.1369A>G on transcript NM_015915.5 (MANE Select); coding-DNA position 1369, A replaced by G.
Protein change: p.Ile457Val; replaces isoleucine 457 with valine.
Molecular consequence: missense variant.
Genome position (GRCh38, 1-based): chr14:50,628,280, A>G. VCF-style: chr14-50628280-A-G. GRCh37 (hg19) VCF-style: chr14-51094998-A-G.
Other names: c.1369A>G, p.Ile457Val (NM_181598.4, NM_001127713.1); short protein forms I457V.
Identifiers: ClinVar variation 2094284 (VCV002094284.4), dbSNP rs2504577993, ClinGen allele CA389676138.
Genomic context (GRCh38, chr14:50,628,280, plus strand): 5'-GATAGCAAAAATATCTTCCATGCAGCTCGTACCCCAGCCACACTGTTTGTAGTCATCTTT[A>G]TCACATATGTGATTGCTGGTGTGACTGGATTCATTGGTTTGGACATCATAGCTAGCCTAT-3'
Protein context (NP_056999.2, residues 447-467): TPATLFVVIF[Ile457Val]TYVIAGVTGF

ClinVar aggregate classification (germline): Uncertain significance (1 of 4 stars; one submission).

Conditions:
Hereditary spastic paraplegia 3A (SPG3A). Also called: SPASTIC PARAPLEGIA 3, AUTOSOMAL DOMINANT; FAMILIAL SPASTIC PARAPLEGIA, AUTOSOMAL DOMINANT, 1; SPG3; STRUMPELL DISEASE; Spastic Paraplegia 3A; Spastic paraplegia 3A, autosomal dominant. Identifiers: Orphanet 100984, MedGen C2931355, MONDO:0008437, OMIM 182600.

Allele frequency attached by ClinVar (database versions not stated): gnomAD exomes 0.00001.
gnomAD v4.1: 9 of 1,614,208 alleles (0.00056%); highest among the groups gnomAD compares: Non-Finnish European, 0.00076%; no homozygotes.

Submission:

Labcorp Genetics (formerly Invitae), Labcorp
Classification: Uncertain significance for Hereditary spastic paraplegia 3A. Last evaluated: 2022-02-06. Review status: criteria provided, single submitter. Criteria: Invitae Variant Classification Sherloc (09022015). Collection method: clinical testing. Allele origin: germline.
Comment: This sequence change replaces isoleucine, which is neutral and non-polar, with valine, which is neutral and non-polar, at codon 457 of the ATL1 protein (p.Ile457Val). This variant is not present in population databases (gnomAD no frequency). This variant has not been reported in the literature in individuals affected with ATL1-related conditions. Advanced modeling of protein sequence and biophysical properties (such as structural, functional, and spatial information, amino acid conservation, physicochemical variation, residue mobility, and thermodynamic stability) performed at Invitae indicates that this missense variant is not expected to disrupt ATL1 protein function. In summary, the available evidence is currently insufficient to determine the role of this variant in disease. Therefore, it has been classified as a Variant of Uncertain Significance.